The following is an entry in ClinVar:

NM_001372.4(DNAH9):c.1667G>A (p.Arg556Lys)

Gene: DNAH9 (dynein axonemal heavy chain 9; plus strand). Cytogenetic location: 17p12.
Variant type: single nucleotide variant.
Coding change: c.1667G>A on transcript NM_001372.4 (MANE Select); coding-DNA position 1667, G replaced by A.
Protein change: p.Arg556Lys; replaces arginine 556 with lysine.
Molecular consequence: missense variant.
Genome position (GRCh38, 1-based): chr17:11,636,665, G>A. VCF-style: chr17-11636665-G-A. GRCh37 (hg19) VCF-style: chr17-11539982-G-A.
Other names: short protein forms R556K.
Identifiers: ClinVar variation 1946999 (VCV001946999.27), dbSNP rs2544261925, ClinGen allele CA398166017.

ClinVar aggregate classification (germline): Uncertain significance. Review status: criteria provided, multiple submitters, no conflicts (2 of 4 stars). 2 submissions from 2 submitters: Uncertain significance (2). Last evaluated 2024-01-01.

Submissions (2):

CeGaT Center for Human Genetics Tuebingen
Classification: Uncertain significance. Last evaluated: 2024-01-01. Review status: criteria provided, single submitter. Criteria: CeGaT Center For Human Genetics Tuebingen Variant Classification Criteria Version 2. Collection method: clinical testing. Allele origin: germline. Affected: yes. Observed: 1 variant allele.
Comment: DNAH9: PM2

Labcorp Genetics (formerly Invitae), Labcorp
Classification: Uncertain significance. Last evaluated: 2023-07-07. Review status: criteria provided, single submitter. Criteria: Invitae Variant Classification Sherloc (09022015). Collection method: clinical testing. Allele origin: germline.
Comment: In summary, the available evidence is currently insufficient to determine the role of this variant in disease. Therefore, it has been classified as a Variant of Uncertain Significance. An algorithm developed to predict the effect of missense changes on protein structure and function (PolyPhen-2) suggests that this variant is likely to be disruptive. ClinVar contains an entry for this variant (Variation ID: 1946999). This variant has not been reported in the literature in individuals affected with DNAH9-related conditions. This variant is not present in population databases (gnomAD no frequency). This sequence change replaces arginine, which is basic and polar, with lysine, which is basic and polar, at codon 556 of the DNAH9 protein (p.Arg556Lys).